The following is an entry in ClinVar:

ClinVar aggregate classification (germline): Pathogenic (1 of 4 stars; one submission).

Conditions:
Primary ciliary dyskinesia. Also called: Ciliary dyskinesia. Identifiers: Orphanet 244, MedGen C0008780, MONDO:0016575, HP:0012265.

Allele frequency attached by ClinVar (database versions not stated): gnomAD exomes below 0.00001.
gnomAD v4.1: 2 of 1,614,208 alleles (0.00012%); highest among the groups gnomAD compares: Non-Finnish European, 0.00017%; no homozygotes.

Submission:

Labcorp Genetics (formerly Invitae), Labcorp
Classification: Pathogenic for Primary ciliary dyskinesia. Last evaluated: 2023-02-16. Review status: criteria provided, single submitter. Criteria: Invitae Variant Classification Sherloc (09022015). Collection method: clinical testing. Allele origin: germline.
Comment: This variant has not been reported in the literature in individuals affected with CCDC103-related conditions. This variant is not present in population databases (gnomAD no frequency). This sequence change creates a premature translational stop signal (p.Trp109*) in the CCDC103 gene. While this is not anticipated to result in nonsense mediated decay, it is expected to disrupt the last 134 amino acid(s) of the CCDC103 protein. This variant disrupts a region of the CCDC103 protein in which other variant(s) (p.Ser190Argfs*19) have been determined to be pathogenic (Invitae). This suggests that this is a clinically significant region of the protein, and that variants that disrupt it are likely to be disease-causing. For these reasons, this variant has been classified as Pathogenic.

NM_213607.3(DNAAF19):c.327G>A (p.Trp109Ter)

Gene: DNAAF19 (dynein axonemal assembly factor 19; plus strand). Cytogenetic location: 17q21.31.
Variant type: single nucleotide variant.
Coding change: c.327G>A on transcript NM_213607.3 (MANE Select); coding-DNA position 327, G replaced by A.
Protein change: p.Trp109Ter; replaces tryptophan 109 with a stop codon.
Molecular consequence: nonsense. On other transcripts: 3 prime UTR variant (3).
Genome position (GRCh38, 1-based): chr17:44,902,415, G>A. VCF-style: chr17-44902415-G-A. GRCh37 (hg19) VCF-style: chr17-42979783-G-A.
Other names: c.327G>A, p.Trp109Ter (NM_001258395.2, NM_001258396.2); c.*77G>A (NM_001258397.3); c.*16G>A (NM_001258398.3, NM_001258399.2); short protein forms W109*.
Identifiers: ClinVar variation 2717591 (VCV002717591.2), dbSNP rs2508900110, ClinGen allele CA399828729.